The following is an entry in ClinVar:

ClinVar aggregate classification (germline): Uncertain significance. Review status: criteria provided, multiple submitters, no conflicts (2 of 4 stars). 4 submissions from 4 submitters: Uncertain significance (4). Last evaluated 2026-07-02.

Conditions:
Neonatal-onset encephalopathy with rigidity and seizures. Also called: Lethal neonatal spasticity-epileptic encephalopathy syndrome. Identifiers: Orphanet 435845, MedGen C3281029, MONDO:0013784, OMIM 614498.
Inborn genetic diseases. Identifiers: MedGen C0950123, MeSH D030342.

Allele frequency attached by ClinVar (database versions not stated): 1000 Genomes Project 0.00020; TOPMed 0.00002; 1000 Genomes Project 30x 0.00016.
gnomAD v4.1: 81 of 1,546,158 alleles (0.0052%); highest among the groups gnomAD compares: Middle Eastern, 0.48%; no homozygotes.

Submissions (4):

Ambry Genetics
Classification: Uncertain significance for Inborn genetic diseases. Last evaluated: 2026-07-02. Review status: criteria provided, single submitter. Criteria: Ambry Variant Classification Scheme 2023. Collection method: clinical testing. Allele origin: germline.
Comment: The c.1012C>G (p.P338A) alteration is located in exon 7 (coding exon 6) of the BRAT1 gene. This alteration results from a C to G substitution at nucleotide position 1012, causing the proline (P) at amino acid position 338 to be replaced by an alanine (A). Based on data from gnomAD, the G allele has an overall frequency of 0.008% (13/157716) total alleles studied. The highest observed frequency was 0.122% (5/4114) of Other alleles. Based on insufficient or conflicting evidence, the clinical significance of this alteration remains unclear.

Blueprint Genetics
Classification: Uncertain significance. Last evaluated: 2024-11-12. Review status: criteria provided, single submitter. Criteria: ACMG Guidelines, 2015. Collection method: clinical testing. Allele origin: germline.

Labcorp Genetics (formerly Invitae), Labcorp
Classification: Uncertain significance for Neonatal-onset encephalopathy with rigidity and seizures. Last evaluated: 2022-08-10. Review status: criteria provided, single submitter. Criteria: Invitae Variant Classification Sherloc (09022015). Collection method: clinical testing. Allele origin: germline.
Comment: This sequence change replaces proline, which is neutral and non-polar, with alanine, which is neutral and non-polar, at codon 338 of the BRAT1 protein (p.Pro338Ala). This variant is present in population databases (rs373020561, gnomAD 0.01%). This variant has not been reported in the literature in individuals affected with BRAT1-related conditions. ClinVar contains an entry for this variant (Variation ID: 472925). Algorithms developed to predict the effect of missense changes on protein structure and function (SIFT, PolyPhen-2, Align-GVGD) all suggest that this variant is likely to be tolerated. In summary, the available evidence is currently insufficient to determine the role of this variant in disease. Therefore, it has been classified as a Variant of Uncertain Significance.

Breakthrough Genomics
Classification: Uncertain significance. Review status: criteria provided, single submitter. Criteria: ACMG Guidelines, 2015. Collection method: not provided. Allele origin: germline. Inheritance: Autosomal recessive inheritance. Affected: yes.

NM_152743.4(BRAT1):c.1012C>G (p.Pro338Ala)

Gene: BRAT1 (BRCA1 associated ATM activator 1; minus strand). Cytogenetic location: 7p22.3.
Variant type: single nucleotide variant.
Coding change: c.1012C>G on transcript NM_152743.4 (MANE Select); coding-DNA position 1012, C replaced by G.
Protein change: p.Pro338Ala; replaces proline 338 with alanine.
Molecular consequence: missense variant. On other transcripts: non-coding transcript variant (1).
Genome position (GRCh38, 1-based): chr7:2,542,123, G>C on the plus strand (C>G on the coding strand, the complement: BRAT1 is on the minus strand). VCF-style: chr7-2542123-G-C. GRCh37 (hg19) VCF-style: chr7-2581757-G-C.
Other names: c.1012C>G, p.Pro338Ala (NM_001350626.2); c.487C>G, p.Pro163Ala (NM_001350627.2); short protein forms P338A, P163A.
Identifiers: ClinVar variation 472925 (VCV000472925.11), dbSNP rs373020561, ClinGen allele CA4127977.